The following is an entry in ClinVar:

NM_017841.4(SDHAF2):c.187A>T (p.Ile63Leu)

Gene: SDHAF2 (succinate dehydrogenase complex assembly factor 2; plus strand). Cytogenetic location: 11q12.2.
Variant type: single nucleotide variant.
Coding change: c.187A>T on transcript NM_017841.4 (MANE Select); coding-DNA position 187, A replaced by T.
Protein change: p.Ile63Leu; replaces isoleucine 63 with leucine.
Molecular consequence: missense variant.
Genome position (GRCh38, 1-based): chr11:61,437,775, A>T. VCF-style: chr11-61437775-A-T. GRCh37 (hg19) VCF-style: chr11-61205247-A-T.
Other names: short protein forms I63L.
Identifiers: ClinVar variation 3385980 (VCV003385980.1).
Genomic context (GRCh38, chr11:61,437,775, plus strand): 5'-TCCCAAAAGGACATGATTGAAATCCCTTTGCCTCCATGGCAGGAGAGAACTGATGAATCC[A>T]TAGAAACCAAAAGAGCCCGCCTGCTCTATGAGAGCAGAAAGAGGGGAATGTTGGAAAACT-3'
Protein context (NP_060311.1, residues 53-73): PPWQERTDES[Ile63Leu]ETKRARLLYE

ClinVar aggregate classification (germline): Uncertain significance (1 of 4 stars; one submission).

Conditions:
Hereditary pheochromocytoma and paraganglioma. Also called: Hereditary Paraganglioma-Pheochromocytoma Syndromes; Hereditary pheochromocytoma-paraganglioma; Hereditary paragangliomas and pheochromocytomas. Identifiers: Orphanet 29072, MedGen C4274332, MONDO:0017366.

Submission:

All of Us Research Program, National Institutes of Health
Classification: Uncertain significance for Hereditary pheochromocytoma and paraganglioma. Last evaluated: 2024-07-29. Review status: criteria provided, single submitter. Criteria: ACMG Guidelines, 2015. Collection method: clinical testing. Allele origin: germline. Inheritance: Autosomal dominant inheritance. Observed: 1 variant allele, 1 heterozygote.
Comment: This missense variant replaces isoleucine with leucine at codon 63 of the SDHAF2 protein. Computational prediction suggests that this variant may not impact protein structure and function (internally defined REVEL score threshold <= 0.5, PMID: 27666373). To our knowledge, functional studies have not been reported for this variant. This variant has not been reported in individuals affected with SDHAF2-related disorders in the literature. This variant has not been identified in the general population by the Genome Aggregation Database (gnomAD). The available evidence is insufficient to determine the role of this variant in disease conclusively. Therefore, this variant is classified as a Variant of Uncertain Significance.

This study involves interpretation of variants in research participants for the purpose of population health screening. Participant phenotype was not available at the time of variant classification. Additional details can be found in publication PMID: 35346344, PMCID: PMC8962531